The following is an entry in ClinVar:

ClinVar aggregate classification (germline): Uncertain significance. Review status: criteria provided, multiple submitters, no conflicts (2 of 4 stars). 3 submissions from 3 submitters: Uncertain significance (3). Last evaluated 2024-05-07.

Conditions:
Hennekam lymphangiectasia-lymphedema syndrome 2 (HKLLS2). Identifiers: Orphanet 2136, MedGen C4014939, MONDO:0014454, OMIM 616006.
Van Maldergem syndrome 2 (VMLDS2). Identifiers: Orphanet 314679, MedGen C3809875, MONDO:0014242, OMIM 615546.

Allele frequency attached by ClinVar (database versions not stated): gnomAD 0.00006 and 0.00007; gnomAD exomes 0.00006 and 0.00008; ExAC 0.00007; TOPMed 0.00008; ESP Exome Variant Server 0.00015.
gnomAD v4.1: 99 of 1,613,994 alleles (0.0061%); highest among the groups gnomAD compares: Admixed American, 0.02%; no homozygotes.

Submissions (3):

Fulgent Genetics
Classification: Uncertain significance for Van Maldergem syndrome 2; Hennekam lymphangiectasia-lymphedema syndrome 2. Last evaluated: 2024-05-07. Review status: criteria provided, single submitter. Criteria: ACMG Guidelines, 2015. Collection method: clinical testing. Allele origin: germline.

Labcorp Genetics (formerly Invitae), Labcorp
Classification: Uncertain significance. Last evaluated: 2022-07-20. Review status: criteria provided, single submitter. Criteria: Invitae Variant Classification Sherloc (09022015). Collection method: clinical testing. Allele origin: germline.
Comment: This sequence change replaces methionine, which is neutral and non-polar, with valine, which is neutral and non-polar, at codon 4861 of the FAT4 protein (p.Met4861Val). This variant is present in population databases (rs200302369, gnomAD 0.04%). This variant has not been reported in the literature in individuals affected with FAT4-related conditions. ClinVar contains an entry for this variant (Variation ID: 1214531). Advanced modeling of protein sequence and biophysical properties (such as structural, functional, and spatial information, amino acid conservation, physicochemical variation, residue mobility, and thermodynamic stability) performed at Invitae indicates that this missense variant is not expected to disrupt FAT4 protein function. In summary, the available evidence is currently insufficient to determine the role of this variant in disease. Therefore, it has been classified as a Variant of Uncertain Significance.

GeneDx
Classification: Uncertain significance. Last evaluated: 2020-12-16. Review status: criteria provided, single submitter. Criteria: GeneDx Variant Classification Process June 2021. Collection method: clinical testing. Allele origin: germline. Affected: yes.
Comment: In silico analysis, which includes protein predictors and evolutionary conservation, supports that this variant does not alter protein structure/function; Has not been previously published as pathogenic or benign to our knowledge

NM_001291303.3(FAT4):c.14587A>G (p.Met4863Val)

Gene: FAT4 (FAT atypical cadherin 4; plus strand). Cytogenetic location: 4q28.1.
Variant type: single nucleotide variant.
Coding change: c.14587A>G on transcript NM_001291303.3 (MANE Select); coding-DNA position 14587, A replaced by G.
Protein change: p.Met4863Val; replaces methionine 4863 with valine.
Molecular consequence: missense variant.
Genome position (GRCh38, 1-based): chr4:125,491,403, A>G. VCF-style: chr4-125491403-A-G. GRCh37 (hg19) VCF-style: chr4-126412558-A-G.
Other names: c.14584A>G, p.Met4862Val (NM_001291285.3); c.14581A>G, p.Met4861Val (NM_024582.6); c.14581A>G (NM_024582.5); short protein forms M4861V, M4862V, M4863V.
Identifiers: ClinVar variation 1214531 (VCV001214531.7), dbSNP rs200302369, ClinGen allele CA3074589.